The following is an entry in ClinVar:

ClinVar aggregate classification (germline): Pathogenic. Review status: criteria provided, multiple submitters, no conflicts (2 of 4 stars). 2 submissions from 2 submitters: Pathogenic (2). Last evaluated 2023-08-17.

Conditions:
Lynch syndrome 5 (LYNCH5). Also called: Hereditary non-polyposis colorectal cancer, type 5; Colorectal cancer, hereditary nonpolyposis, type 5. Identifiers: Orphanet 144, MedGen C1833477, MONDO:0013710, OMIM 614350. Disease mechanism: loss of function.
Hereditary nonpolyposis colorectal neoplasms. Identifiers: MedGen C0009405, MeSH D003123.

Submissions (2):

Myriad Genetics, Inc.
Classification: Pathogenic for Lynch syndrome 5. Last evaluated: 2023-08-17. Review status: criteria provided, single submitter. Criteria: Myriad Autosomal Dominant, Autosomal Recessive and X-Linked Classification Criteria (2023). Collection method: clinical testing. Allele origin: unknown.
Comment: This variant is considered pathogenic. This variant creates a termination codon and is predicted to result in premature protein truncation.

Labcorp Genetics (formerly Invitae), Labcorp
Classification: Pathogenic for Hereditary nonpolyposis colorectal neoplasms. Last evaluated: 2020-01-31. Review status: criteria provided, single submitter. Criteria: Invitae Variant Classification Sherloc (09022015). Collection method: clinical testing. Allele origin: germline.
Comment: Loss-of-function variants in MSH6 are known to be pathogenic (PMID: 18269114, 24362816). This sequence change creates a premature translational stop signal (p.Cys783*) in the MSH6 gene. It is expected to result in an absent or disrupted protein product. This variant is not present in population databases (ExAC no frequency). This variant has not been reported in the literature in individuals with MSH6-related conditions. Algorithms developed to predict the effect of sequence changes on RNA splicing suggest that this variant may create or strengthen a splice site, but this prediction has not been confirmed by published transcriptional studies. For these reasons, this variant has been classified as Pathogenic.

Literature cited by the submitters: PubMed 18269114 (cited by Labcorp Genetics (formerly Invitae), Labcorp); PubMed 24362816 (cited by Labcorp Genetics (formerly Invitae), Labcorp).

NM_000179.3(MSH6):c.2346_2347del (p.Leu782_Cys783insTer)

Gene: MSH6 (mutS homolog 6; plus strand). Cytogenetic location: 2p16.3.
Variant type: Microsatellite.
Coding change: c.2346_2347del on transcript NM_000179.3 (MANE Select); coding-DNA positions 2346 to 2347, 2 bases deleted (CT; older notation c.2346_2347delCT).
Protein change: p.Leu782_Cys783insTer.
Molecular consequence: frameshift variant.
Genome position (GRCh38, 1-based): chr2:47,800,329-47,800,330, CT deleted; deleting any 2 consecutive bases within chr2:47,800,327-47,800,330 gives the same sequence; the c. name uses the placement nearest the transcript's 3' end. VCF-style (leftmost placement, unchanged base first): chr2-47800326-ACT-A. GRCh37 (hg19) VCF-style: chr2-48027465-ACT-A.
Other names: c.1956_1957del, p.Leu652_Cys653insTer (NM_001281492.2); c.1440_1441del, p.Leu480_Cys481insTer (NM_001281493.2, NM_001281494.2).
Identifiers: ClinVar variation 837658 (VCV000837658.9), dbSNP rs1669451548, ClinGen allele CA916079960.